The following is an entry in ClinVar:

ClinVar aggregate classification (germline): Uncertain significance (1 of 4 stars; one submission).

Conditions:
Ellis-van Creveld syndrome (EVC). Also called: EVC-Related Ellis-van Creveld Syndrome; EVC2-Related Ellis-van Creveld Syndrome; MESOECTODERMAL DYSPLASIA; Chondroectodermal dysplasia. Identifiers: Orphanet 289, MedGen C0013903, MONDO:0009162, OMIM 225500.
Curry-Hall syndrome (WAD). Also called: WEYERS ACRODENTAL DYSOSTOSIS. Identifiers: Orphanet 952, MedGen C0457013, MONDO:0008673, OMIM 193530.

Allele frequency attached by ClinVar (database versions not stated): ExAC 0.00001; gnomAD exomes 0.00001; gnomAD 0.00003; TOPMed 0.00003.
gnomAD v4.1: 25 of 1,614,094 alleles (0.0015%); highest among the groups gnomAD compares: Admixed American, 0.0033%; no homozygotes.

Submission:

Labcorp Genetics (formerly Invitae), Labcorp
Classification: Uncertain significance for Curry-Hall syndrome; Ellis-van Creveld syndrome. Last evaluated: 2023-12-04. Review status: criteria provided, single submitter. Criteria: Invitae Variant Classification Sherloc (09022015). Collection method: clinical testing. Allele origin: germline.
Comment: This sequence change replaces aspartic acid, which is acidic and polar, with asparagine, which is neutral and polar, at codon 1053 of the EVC2 protein (p.Asp1053Asn). This variant is present in population databases (rs746187559, gnomAD 0.005%). This variant has not been reported in the literature in individuals affected with EVC2-related conditions. ClinVar contains an entry for this variant (Variation ID: 348988). An algorithm developed to predict the effect of missense changes on protein structure and function (PolyPhen-2) suggests that this variant is likely to be tolerated. In summary, the available evidence is currently insufficient to determine the role of this variant in disease. Therefore, it has been classified as a Variant of Uncertain Significance.

NM_147127.5(EVC2):c.3157G>A (p.Asp1053Asn)

Gene: EVC2 (EvC ciliary complex subunit 2; minus strand). Cytogenetic location: 4p16.2.
Variant type: single nucleotide variant.
Coding change: c.3157G>A on transcript NM_147127.5 (MANE Select); coding-DNA position 3157, G replaced by A.
Protein change: p.Asp1053Asn; replaces aspartic acid 1053 with asparagine.
Molecular consequence: missense variant.
Genome position (GRCh38, 1-based): chr4:5,576,355, C>T on the plus strand (G>A on the coding strand, the complement: EVC2 is on the minus strand). VCF-style: chr4-5576355-C-T. GRCh37 (hg19) VCF-style: chr4-5578082-C-T.
Other names: c.2917G>A, p.Asp973Asn (NM_001166136.2); short protein forms D1053N, D973N.
Identifiers: ClinVar variation 348988 (VCV000348988.8), dbSNP rs746187559, ClinGen allele CA2834432.